The following is an entry in ClinVar:

NM_022081.6(HPS4):c.644T>C (p.Leu215Pro)

Gene: HPS4 (HPS4 biogenesis of lysosomal organelles complex 3 subunit 2; minus strand). Cytogenetic location: 22q12.1.
Variant type: single nucleotide variant.
Coding change: c.644T>C on transcript NM_022081.6 (MANE Select); coding-DNA position 644, T replaced by C.
Protein change: p.Leu215Pro; replaces leucine 215 with proline.
Molecular consequence: missense variant. On other transcripts: non-coding transcript variant (8).
Genome position (GRCh38, 1-based): chr22:26,468,576, A>G on the plus strand (T>C on the coding strand, the complement: HPS4 is on the minus strand). VCF-style: chr22-26468576-A-G. GRCh37 (hg19) VCF-style: chr22-26864542-A-G.
Other names: c.644T>C, p.Leu215Pro (NM_001349896.1, NM_001349898.2, NM_001349899.2 and 7 more transcripts); c.629T>C, p.Leu210Pro (NM_152841.2); short protein forms L215P, L210P.
Identifiers: ClinVar variation 2067155 (VCV002067155.1), dbSNP rs750412869, ClinGen allele CA10163606.

ClinVar aggregate classification (germline): Uncertain significance (1 of 4 stars; one submission).

Allele frequency attached by ClinVar (database versions not stated): gnomAD exomes 0.00001; ExAC 0.00002.
gnomAD v4.1: 7 of 1,613,994 alleles (0.00043%); highest among the groups gnomAD compares: Non-Finnish European, 0.00059%; no homozygotes.

Submission:

Labcorp Genetics (formerly Invitae), Labcorp
Classification: Uncertain significance. Last evaluated: 2022-06-10. Review status: criteria provided, single submitter. Criteria: Invitae Variant Classification Sherloc (09022015). Collection method: clinical testing. Allele origin: germline.
Comment: This sequence change replaces leucine, which is neutral and non-polar, with proline, which is neutral and non-polar, at codon 215 of the HPS4 protein (p.Leu215Pro). This variant is present in population databases (rs750412869, gnomAD 0.004%). This variant has not been reported in the literature in individuals affected with HPS4-related conditions. Algorithms developed to predict the effect of missense changes on protein structure and function (SIFT, PolyPhen-2, Align-GVGD) all suggest that this variant is likely to be disruptive. In summary, the available evidence is currently insufficient to determine the role of this variant in disease. Therefore, it has been classified as a Variant of Uncertain Significance.